The following is an entry in ClinVar:

NM_001923.5(DDB1):c.921+2T>G

Gene: DDB1 (damage specific DNA binding protein 1; minus strand). Cytogenetic location: 11q12.2.
Variant type: single nucleotide variant.
Coding change: c.921+2T>G on transcript NM_001923.5 (MANE Select); the canonical splice donor site of the intron after coding-DNA position 921, T replaced by G.
Molecular consequence: splice donor variant.
Genome position (GRCh38, 1-based): chr11:61,323,977, A>C on the plus strand (T>G on the coding strand, the complement: DDB1 is on the minus strand). VCF-style: chr11-61323977-A-C. GRCh37 (hg19) VCF-style: chr11-61091449-A-C.
Identifiers: ClinVar variation 3365919 (VCV003365919.1).

ClinVar aggregate classification (germline): Uncertain significance (1 of 4 stars; one submission).

Submission:

GeneDx
Classification: Uncertain significance. Last evaluated: 2023-12-28. Review status: criteria provided, single submitter. Criteria: GeneDx Variant Classification Process June 2021. Collection method: clinical testing. Allele origin: germline. Affected: yes.
Comment: Not observed at significant frequency in large population cohorts (gnomAD); Canonical splice site variant in a gene for which loss-of-function is not an established mechanism of disease; Has not been previously published as pathogenic or benign to our knowledge